The following is an entry in ClinVar:

ClinVar aggregate classification (germline): Likely pathogenic (1 of 4 stars; one submission).

Submission:

CeGaT Center for Human Genetics Tuebingen
Classification: Likely pathogenic. Last evaluated: 2025-12-01. Review status: criteria provided, single submitter. Criteria: CeGaT Center For Human Genetics Tuebingen Variant Classification Criteria Version 2. Collection method: clinical testing. Allele origin: germline. Affected: yes. Observed: 2 variant alleles.
Comment: APC: PM2, PP4:Moderate, PP1, PP3

NM_000038.6(APC):c.1627-8A>G

Gene: APC (APC regulator of Wnt signaling pathway; plus strand). Cytogenetic location: 5q22.2.
Variant type: single nucleotide variant.
Coding change: c.1627-8A>G on transcript NM_000038.6 (MANE Select); 8 bases into the intron before coding-DNA position 1627, A replaced by G.
Molecular consequence: intron variant.
Genome position (GRCh38, 1-based): chr5:112,828,848, A>G. VCF-style: chr5-112828848-A-G. GRCh37 (hg19) VCF-style: chr5-112164545-A-G.
Other names: c.778-8A>G (NM_001407470.1, NM_001354906.2); c.475-8A>G (NM_001407472.1, NM_001407471.1); c.1681-8A>G (NM_001407447.1, NM_001407448.1, NM_001407449.1 and 1 more transcripts); c.1627-8A>G (NM_001354895.2, NM_001407450.1, NM_001127510.3); c.1378-8A>G (NM_001407456.1, NM_001407457.1, NM_001407455.1 and 1 more transcripts); c.1324-8A>G (NM_001407460.1, NM_001407458.1, NM_001407459.1 and 1 more transcripts); c.1597-8A>G (NM_001407452.1); c.1240-8A>G (NM_001407469.1, NM_001407467.1); and 11 more.
Identifiers: ClinVar variation 4682092 (VCV004682092.5).